The following is an entry in ClinVar:

NC_000023.10:g.(?_32715977)_(33038327_?)dup

Gene: DMD (dystrophin; minus strand). Cytogenetic location: Xp21.1.
Variant type: Duplication.
Identifiers: ClinVar variation 1074564 (VCV001074564.1).

ClinVar aggregate classification (germline): Pathogenic (1 of 4 stars; one submission).

Conditions:
Duchenne muscular dystrophy (DMD). Also called: MUSCULAR DYSTROPHY, PSEUDOHYPERTROPHIC PROGRESSIVE, DUCHENNE TYPE; Duchenne Muscular Dystrophy (DMD). Identifiers: Orphanet 98896, MedGen C0013264, MONDO:0010679, OMIM 310200.

Submission:

Labcorp Genetics (formerly Invitae), Labcorp
Classification: Pathogenic for Duchenne muscular dystrophy. Last evaluated: 2020-07-28. Review status: criteria provided, single submitter. Criteria: Invitae Variant Classification Sherloc (09022015). Collection method: clinical testing. Allele origin: germline.
Comment: This variant results in a copy number gain of the genomic region encompassing exons 2-9 of the DMD gene. While the exact position of this variant cannot be determined from this data, sub-genic copy number gains are generally in tandem (PMID: 25640679) and may result in an absent or disrupted protein product. This variant has been observed in individuals affected with DMD-related dystrophinopathies (PMID: 12111668, 19074751). Loss-of-function variants in DMD are known to be pathogenic (PMID: 16770791, 25007885). For these reasons, this variant has been classified as Pathogenic.

Literature cited by the submitters: PubMed 25640679; PubMed 12111668; PubMed 19074751; PubMed 16770791; PubMed 25007885.